The following is an entry in ClinVar:

ClinVar aggregate classification (germline): Conflicting classifications of pathogenicity. Review status: criteria provided, conflicting classifications (1 of 4 stars). 4 submissions from 4 submitters: Uncertain significance (1); Likely benign (2). 1 of the submissions does not count toward it. Last evaluated 2025-09-25.

Conditions:
Duchenne muscular dystrophy (DMD). Also called: MUSCULAR DYSTROPHY, PSEUDOHYPERTROPHIC PROGRESSIVE, DUCHENNE TYPE; Duchenne Muscular Dystrophy (DMD). Identifiers: Orphanet 98896, MedGen C0013264, MONDO:0010679, OMIM 310200.
Cardiovascular phenotype. Identifiers: MedGen CN230736.
Dystrophin deficiency.

Allele frequency attached by ClinVar (database versions not stated): gnomAD exomes 0.00001 and 0.00002; ExAC 0.00003; TOPMed 0.00003; gnomAD 0.00008 and 0.00009.
gnomAD v4.1: 31 of 1,205,953 alleles (0.0026%); highest among the groups gnomAD compares: Non-Finnish European, 0.003%; no homozygotes.

Submissions (4):

Ambry Genetics
Classification: Uncertain significance for Cardiovascular phenotype. Last evaluated: 2025-09-25. Review status: criteria provided, single submitter. Criteria: Ambry Variant Classification Scheme 2023. Collection method: clinical testing. Allele origin: germline.
Comment: The p.E1800D variant (also known as c.5400A>C), located in coding exon 38 of the DMD gene, results from an A to C substitution at nucleotide position 5400. The glutamic acid at codon 1800 is replaced by aspartic acid, an amino acid with highly similar properties. This amino acid position is highly conserved in available vertebrate species. In addition, this alteration is predicted to be tolerated by in silico analysis. Based on data from gnomAD, the C allele has an overall frequency of 0.01% (13/204552) total alleles studied, with 3 hemizygote(s) observed. The highest observed frequency was 0.01% (13/92373) of European (non-Finnish) alleles. Based on the available evidence, the clinical significance of this variant remains unclear.

Labcorp Genetics (formerly Invitae), Labcorp
Classification: Likely benign for Duchenne muscular dystrophy. Last evaluated: 2025-08-12. Review status: criteria provided, single submitter. Criteria: Invitae Variant Classification Sherloc (09022015). Collection method: clinical testing. Allele origin: germline.

Laboratory of Genetics, Children's Clinical University Hospital Latvia
Classification: Likely benign. Last evaluated: 2025-02-16. Review status: criteria provided, single submitter. Criteria: ACMG Guidelines, 2015. Collection method: clinical testing. Allele origin: germline. Affected: yes.

Natera, Inc.
Classification: Uncertain significance for Dystrophin deficiency. Last evaluated: 2020-09-16. Review status: no assertion criteria provided. Collection method: clinical testing. Allele origin: germline. Not counted in ClinVar's aggregate classification.

NM_004006.3(DMD):c.5400A>C (p.Glu1800Asp)

Gene: DMD (dystrophin; minus strand). Cytogenetic location: Xp21.1.
Variant type: single nucleotide variant.
Coding change: c.5400A>C on transcript NM_004006.3 (MANE Select); coding-DNA position 5400, A replaced by C.
Protein change: p.Glu1800Asp; replaces glutamic acid 1800 with aspartic acid.
Molecular consequence: missense variant.
Genome position (GRCh38, 1-based): chrX:32,348,454, T>G on the plus strand (A>C on the coding strand, the complement: DMD is on the minus strand). VCF-style: chrX-32348454-T-G. GRCh37 (hg19) VCF-style: chrX-32366571-T-G.
Other names: c.5376A>C, p.Glu1792Asp (NM_000109.4); c.5388A>C, p.Glu1796Asp (NM_004009.3); c.5031A>C, p.Glu1677Asp (NM_004010.3); c.1377A>C, p.Glu459Asp (NM_004011.4); c.1368A>C, p.Glu456Asp (NM_004012.4); short protein forms E1800D, E456D, E1796D, E459D, E1677D, E1792D.
Identifiers: ClinVar variation 455908 (VCV000455908.13), dbSNP rs757290084, ClinGen allele CA10378702.
Genomic context (GRCh38, chrX:32,348,454, plus strand): 5'-CAACCAATTTACCATATCTTTATTGAAGTCTTCCTCTTTCAGATTCACCCCCTGCTGAAT[T>G]TCAGCCTCCAGTGGTTCAAGCAATTTTTGTATATCTGAGTTAAACTGCTCCAATTCCTTC-3'
Protein context (NP_003997.2, residues 1790-1810): IQKLLEPLEA[Glu1800Asp]IQQGVNLKEE